The following is an entry in ClinVar:

ClinVar aggregate classification (germline): Conflicting classifications of pathogenicity. Review status: criteria provided, conflicting classifications (1 of 4 stars). 2 submissions from 2 submitters: Uncertain significance (1); Likely benign (1). Last evaluated 2026-09-02.

Conditions:
Sitosterolemia (STSL). Also called: PHYTOSTEROLEMIA. Identifiers: Orphanet 2882, MedGen C0342907, MONDO:0008863.
Cardiovascular phenotype. Identifiers: MedGen CN230736.

gnomAD v4.1: 7 of 1,614,178 alleles (0.00043%); highest among the groups gnomAD compares: Non-Finnish European, 0.00059%; no homozygotes.

Submissions (2):

Ambry Genetics
Classification: Uncertain significance for Cardiovascular phenotype. Last evaluated: 2026-09-02. Review status: criteria provided, single submitter. Criteria: Ambry Variant Classification Scheme 2023. Collection method: clinical testing. Allele origin: germline.
Comment: The c.708G>A variant (also known as p.V236V), located in coding exon 6 of the ABCG5 gene, results from a G to A substitution at nucleotide position 708. This nucleotide substitution does not change the amino acid at codon 236. This nucleotide position is poorly conserved in available vertebrate species. In silico splice site analysis predicts that this alteration may result in the creation or strengthening of a novel splice acceptor site. Based on the available evidence, the clinical significance of this variant remains unclear.

Labcorp Genetics (formerly Invitae), Labcorp
Classification: Likely benign for Sitosterolemia. Last evaluated: 2025-12-14. Review status: criteria provided, single submitter. Criteria: Invitae Variant Classification Sherloc (09022015). Collection method: clinical testing. Allele origin: germline.

NM_022436.3(ABCG5):c.708G>A (p.Val236=)

Genes: ABCG5 (ATP binding cassette subfamily G member 5; minus strand), DYNC2LI1 (dynein cytoplasmic 2 light intermediate chain 1; plus strand). Cytogenetic location: 2p21.
Variant type: single nucleotide variant.
Coding change: c.708G>A on transcript NM_022436.3 (MANE Select); coding-DNA position 708, G replaced by A.
Protein change: p.Val236=; no amino-acid change (valine 236 retained).
Molecular consequence: synonymous variant. On other transcripts: intron variant (2).
Genome position (GRCh38, 1-based): chr2:43,826,448, C>T on the plus strand (G>A on the coding strand, the complement: ABCG5 is on the minus strand). VCF-style: chr2-43826448-C-T. GRCh37 (hg19) VCF-style: chr2-44053587-C-T.
Other names: c.*16-938C>T (NM_001348913.2, NM_001348912.2).
Identifiers: ClinVar variation 4706502 (VCV004706502.2).